The following is an entry in ClinVar:

NM_007325.5(GRIA3):c.2197G>A (p.Ala733Thr)

Gene: GRIA3 (glutamate ionotropic receptor AMPA type subunit 3; plus strand). Cytogenetic location: Xq25.
Variant type: single nucleotide variant.
Coding change: c.2197G>A on transcript NM_007325.5 (MANE Select); coding-DNA position 2197, G replaced by A.
Protein change: p.Ala733Thr; replaces alanine 733 with threonine.
Molecular consequence: missense variant.
Genome position (GRCh38, 1-based): chrX:123,464,985, G>A. VCF-style: chrX-123464985-G-A. GRCh37 (hg19) VCF-style: chrX-122598836-G-A.
Other names: c.2197G>A, p.Ala733Thr (NM_000828.5); short protein forms A733T.
Identifiers: ClinVar variation 1306262 (VCV001306262.5), dbSNP rs1452294008, ClinGen allele CA414265116.

ClinVar aggregate classification (germline): Uncertain significance. Review status: criteria provided, multiple submitters, no conflicts (2 of 4 stars). 2 submissions from 2 submitters: Uncertain significance (2). Last evaluated 2023-04-06.

Allele frequency attached by ClinVar (database versions not stated): gnomAD exomes 0.00001.
gnomAD v4.1: 9 of 1,210,575 alleles (0.00074%); highest among the groups gnomAD compares: Non-Finnish European, 0.00067%; no homozygotes.

Submissions (2):

Labcorp Genetics (formerly Invitae), Labcorp
Classification: Uncertain significance. Last evaluated: 2023-04-06. Review status: criteria provided, single submitter. Criteria: Invitae Variant Classification Sherloc (09022015). Collection method: clinical testing. Allele origin: germline.
Comment: This sequence change replaces alanine, which is neutral and non-polar, with threonine, which is neutral and polar, at codon 733 of the GRIA3 protein (p.Ala733Thr). This variant is present in population databases (no rsID available, gnomAD 0.01%). This variant has not been reported in the literature in individuals affected with GRIA3-related conditions. ClinVar contains an entry for this variant (Variation ID: 1306262). Advanced modeling of protein sequence and biophysical properties (such as structural, functional, and spatial information, amino acid conservation, physicochemical variation, residue mobility, and thermodynamic stability) performed at Invitae indicates that this missense variant is expected to disrupt GRIA3 protein function. In summary, the available evidence is currently insufficient to determine the role of this variant in disease. Therefore, it has been classified as a Variant of Uncertain Significance.

GeneDx
Classification: Uncertain significance. Last evaluated: 2019-06-12. Review status: criteria provided, single submitter. Criteria: GeneDx Variant Classification Process June 2021. Collection method: clinical testing. Allele origin: germline. Affected: yes.
Comment: In silico analysis, which includes protein predictors and evolutionary conservation, supports a deleterious effect; Has not been previously published as pathogenic or benign to our knowledge.